The following is an entry in ClinVar:

NM_004259.7(RECQL5):c.2188A>G (p.Lys730Glu)

Gene: RECQL5 (RecQ like helicase 5; minus strand). Cytogenetic location: 17q25.1.
Variant type: single nucleotide variant.
Coding change: c.2188A>G on transcript NM_004259.7 (MANE Select); coding-DNA position 2188, A replaced by G.
Protein change: p.Lys730Glu; replaces lysine 730 with glutamic acid.
Molecular consequence: missense variant.
Genome position (GRCh38, 1-based): chr17:75,629,235, T>C on the plus strand (A>G on the coding strand, the complement: RECQL5 is on the minus strand). VCF-style: chr17-75629235-T-C. GRCh37 (hg19) VCF-style: chr17-73625315-T-C.
Other names: short protein forms K730E.
Identifiers: ClinVar variation 4981703 (VCV004981703.1).

ClinVar aggregate classification (germline): Uncertain significance (1 of 4 stars; one submission).

Conditions:
RECQL5-related disorder. Also called: RECQL5-related condition.

gnomAD v4.1: 344 of 1,612,790 alleles (0.021%); highest among the groups gnomAD compares: Middle Eastern, 0.25%; no homozygotes.

Submission:

PreventionGenetics, part of Exact Sciences
Classification: Uncertain significance for RECQL5-related condition. Last evaluated: 2025-02-12. Review status: criteria provided, single submitter. Criteria: ACMG Guidelines, 2015. Collection method: clinical testing. Allele origin: germline.
Comment: The RECQL5 c.2188A>G variant is predicted to result in the amino acid substitution p.Lys730Glu. To our knowledge, this variant has not been reported in the literature. This variant is reported in 0.15% of alleles in individuals of Ashkenazi Jewish descent in gnomAD. Although we suspect that this variant may be benign, at this time, the clinical significance of this variant is uncertain due to the absence of conclusive functional and genetic evidence.